The following is an entry in ClinVar:

ClinVar aggregate classification (germline): Uncertain significance (1 of 4 stars; one submission).

Submission:

Labcorp Genetics (formerly Invitae), Labcorp
Classification: Uncertain significance. Last evaluated: 2024-10-07. Review status: criteria provided, single submitter. Criteria: Invitae Variant Classification Sherloc (09022015). Collection method: clinical testing. Allele origin: germline.
Comment: This sequence change replaces valine, which is neutral and non-polar, with isoleucine, which is neutral and non-polar, at codon 23 of the CDH2 protein (p.Val23Ile). This variant is not present in population databases (gnomAD no frequency). This variant has not been reported in the literature in individuals affected with CDH2-related conditions. An algorithm developed to predict the effect of missense changes on protein structure and function outputs the following: PolyPhen-2: "Benign". The isoleucine amino acid residue is found in multiple mammalian species, which suggests that this missense change does not adversely affect protein function. In summary, the available evidence is currently insufficient to determine the role of this variant in disease. Therefore, it has been classified as a Variant of Uncertain Significance.

NM_001792.5(CDH2):c.67G>A (p.Val23Ile)

Gene: CDH2 (cadherin 2; minus strand). Cytogenetic location: 18q12.1.
Variant type: single nucleotide variant.
Coding change: c.67G>A on transcript NM_001792.5 (MANE Select); coding-DNA position 67, G replaced by A.
Protein change: p.Val23Ile; replaces valine 23 with isoleucine.
Molecular consequence: missense variant.
Genome position (GRCh38, 1-based): chr18:28,147,778, C>T on the plus strand (G>A on the coding strand, the complement: CDH2 is on the minus strand). VCF-style: chr18-28147778-C-T. GRCh37 (hg19) VCF-style: chr18-25727742-C-T.
Other names: short protein forms V23I.
Identifiers: ClinVar variation 3696399 (VCV003696399.2).